The following is an entry in ClinVar:

NM_003072.5(SMARCA4):c.1702G>A (p.Val568Met)

Gene: SMARCA4 (SWI/SNF related BAF chromatin remodeling complex subunit ATPase 4; plus strand). Cytogenetic location: 19p13.2.
Variant type: single nucleotide variant.
Coding change: c.1702G>A on transcript NM_003072.5 (MANE Select); coding-DNA position 1702, G replaced by A.
Protein change: p.Val568Met; replaces valine 568 with methionine.
Molecular consequence: missense variant. On other transcripts: non-coding transcript variant (1).
Genome position (GRCh38, 1-based): chr19:10,996,321, G>A. VCF-style: chr19-10996321-G-A. GRCh37 (hg19) VCF-style: chr19-11106997-G-A.
Other names: c.1702G>A, p.Val568Met (NM_001128844.3, NM_001128845.2, NM_001128846.2 and 5 more transcripts); short protein forms V568M.
Identifiers: ClinVar variation 578936 (VCV000578936.8), dbSNP rs1431755388, ClinGen allele CA404064455.

ClinVar aggregate classification (germline): Uncertain significance (1 of 4 stars; one submission).

Conditions:
Rhabdoid tumor predisposition syndrome 2 (RTPS2). Identifiers: Orphanet 231108, Orphanet 69077, MedGen C2750074, MONDO:0013224, OMIM 613325.

Submission:

Labcorp Genetics (formerly Invitae), Labcorp
Classification: Uncertain significance for Rhabdoid tumor predisposition syndrome 2. Last evaluated: 2018-05-15. Review status: criteria provided, single submitter. Criteria: Invitae Variant Classification Sherloc (09022015). Collection method: clinical testing. Allele origin: germline.
Comment: This variant is not present in population databases (ExAC no frequency). This sequence change replaces valine with methionine at codon 568 of the SMARCA4 protein (p.Val568Met). The valine residue is highly conserved and there is a small physicochemical difference between valine and methionine. This variant has not been reported in the literature in individuals with SMARCA4-related disease. In summary, the available evidence is currently insufficient to determine the role of this variant in disease. Therefore, it has been classified as a Variant of Uncertain Significance. Algorithms developed to predict the effect of missense changes on protein structure and function are either unavailable or do not agree on the potential impact of this missense change (SIFT: "Deleterious"; PolyPhen-2: "Probably Damaging"; Align-GVGD: "Class C0").